The following is an entry in ClinVar:

ClinVar aggregate classification (germline): Uncertain significance (1 of 4 stars; one submission).

Submission:

Labcorp Genetics (formerly Invitae), Labcorp
Classification: Uncertain significance. Last evaluated: 2022-08-11. Review status: criteria provided, single submitter. Criteria: Invitae Variant Classification Sherloc (09022015). Collection method: clinical testing. Allele origin: germline.
Comment: This sequence change replaces glutamic acid, which is acidic and polar, with glycine, which is neutral and non-polar, at codon 233 of the CFAP410 protein (p.Glu233Gly). This variant is not present in population databases (gnomAD no frequency). This variant has not been reported in the literature in individuals affected with CFAP410-related conditions. Algorithms developed to predict the effect of missense changes on protein structure and function are either unavailable or do not agree on the potential impact of this missense change (SIFT: "Deleterious"; PolyPhen-2: "Possibly Damaging"; Align-GVGD: "Class C0"). In summary, the available evidence is currently insufficient to determine the role of this variant in disease. Therefore, it has been classified as a Variant of Uncertain Significance.

NM_004928.3(CFAP410):c.698A>G (p.Glu233Gly)

Gene: CFAP410 (cilia and flagella associated protein 410; minus strand). Cytogenetic location: 21q22.3.
Variant type: single nucleotide variant.
Coding change: c.698A>G on transcript NM_004928.3 (MANE Select); coding-DNA position 698, A replaced by G.
Protein change: p.Glu233Gly; replaces glutamic acid 233 with glycine.
Molecular consequence: missense variant.
Genome position (GRCh38, 1-based): chr21:44,330,271, T>C on the plus strand (A>G on the coding strand, the complement: CFAP410 is on the minus strand). VCF-style: chr21-44330271-T-C. GRCh37 (hg19) VCF-style: chr21-45750154-T-C.
Other names: c.695A>G, p.Glu232Gly (NM_001271440.2); c.1055A>G, p.Glu352Gly (NM_001271441.2); c.572A>G, p.Glu191Gly (NM_001271442.1); short protein forms E191G, E233G, E352G, E232G.
Identifiers: ClinVar variation 2023558 (VCV002023558.4), dbSNP rs2146053716, ClinGen allele CA410448400.